The following is an entry in ClinVar:

ClinVar aggregate classification (germline): Benign/Likely benign. Review status: criteria provided, multiple submitters, no conflicts (2 of 4 stars). 8 submissions from 8 submitters: Benign (7); Likely benign (1). Last evaluated 2026-02-04.

Conditions:
Hyaline fibromatosis syndrome (HFS). Also called: Hyalinosis, Inherited Systemic; HYALINOSIS, SYSTEMIC. Identifiers: Orphanet 2028, Orphanet 498474, MedGen C5574677, MONDO:0009229, OMIM 228600.

Allele frequency attached by ClinVar (database versions not stated): ESP Exome Variant Server 0.71018; TOPMed 0.76112; 1000 Genomes Project 30x 0.79591; 1000 Genomes Project 0.80272.
gnomAD v4.1: 1,190,249 of 1,587,114 alleles (75%); highest among the groups gnomAD compares: East Asian, 96%; 447,023 homozygotes.

Submissions (8):

Labcorp Genetics (formerly Invitae), Labcorp
Classification: Benign. Last evaluated: 2026-02-04. Review status: criteria provided, single submitter. Criteria: Invitae Variant Classification Sherloc (09022015). Collection method: clinical testing. Allele origin: germline.

Blueprint Genetics
Classification: Likely benign. Last evaluated: 2024-11-26. Review status: criteria provided, single submitter. Criteria: ACMG Guidelines, 2015. Collection method: clinical testing. Allele origin: germline.

Women's Health and Genetics/Laboratory Corporation of America, LabCorp
Classification: Benign. Last evaluated: 2021-12-03. Review status: criteria provided, single submitter. Criteria: LabCorp Variant Classification Summary - May 2015. Collection method: clinical testing. Allele origin: germline.

Genome-Nilou Lab
Classification: Benign for Hyaline fibromatosis syndrome. Last evaluated: 2021-07-14. Review status: criteria provided, single submitter. Criteria: ACMG Guidelines, 2015. Collection method: clinical testing. Allele origin: germline. Affected: no.

GeneDx
Classification: Benign. Last evaluated: 2019-09-05. Review status: criteria provided, single submitter. Criteria: GeneDx Variant Classification Process June 2021. Collection method: clinical testing. Allele origin: germline. Affected: yes.
Comment: This variant is associated with the following publications: (PMID: 22315420)

Mendelics
Classification: Benign for Hyaline fibromatosis syndrome. Last evaluated: 2019-05-28. Review status: criteria provided, single submitter. Criteria: Mendelics Assertion Criteria 2017. Collection method: clinical testing. Allele origin: unknown.

Illumina Laboratory Services, Illumina
Classification: Benign for Hyaline fibromatosis syndrome. Last evaluated: 2017-04-27. Review status: criteria provided, single submitter. Criteria: ICSL Variant Classification Criteria 13 December 2019. Collection method: clinical testing. Allele origin: germline.
Comment: This variant was observed as part of a predisposition screen in an ostensibly healthy population. A literature search was performed for the gene, cDNA change, and amino acid change (where applicable). No publications were found based on this search. Allele frequency data from public databases was too high to be consistent with this variant causing disease. Therefore, this variant is classified as benign.

Breakthrough Genomics
Classification: Benign. Review status: criteria provided, single submitter. Criteria: ACMG Guidelines, 2015. Collection method: not provided. Allele origin: germline. Inheritance: Autosomal recessive inheritance. Affected: yes.

NM_058172.6(ANTXR2):c.1069G>C (p.Ala357Pro)

Gene: ANTXR2 (ANTXR cell adhesion molecule 2; minus strand). Cytogenetic location: 4q21.21.
Variant type: single nucleotide variant.
Coding change: c.1069G>C on transcript NM_058172.6 (MANE Select); coding-DNA position 1069, G replaced by C.
Protein change: p.Ala357Pro; replaces alanine 357 with proline.
Molecular consequence: missense variant.
Genome position (GRCh38, 1-based): chr4:79,984,836, C>G on the plus strand (G>C on the coding strand, the complement: ANTXR2 is on the minus strand). VCF-style: chr4-79984836-C-G. GRCh37 (hg19) VCF-style: chr4-80905990-C-G.
Other names: c.1069G>C, p.Ala357Pro (NM_001145794.2); c.838G>C, p.Ala280Pro (NM_001286780.2, NM_001286781.2); short protein forms A357P, A280P.
Identifiers: ClinVar variation 349874 (VCV000349874.15), dbSNP rs12647691, ClinGen allele CA2981736.